The following is an entry in ClinVar:

NM_001142800.2(EYS):c.105del (p.Gln35fs)

Gene: EYS (EGF-like photoreceptor maintenance factor; minus strand). Cytogenetic location: 6q12.
Variant type: Deletion.
Coding change: c.105del on transcript NM_001142800.2 (MANE Select); coding-DNA position 105, one base deleted (A; older notation c.105delA).
Protein change: p.Gln35fs; shifts the reading frame from glutamine 35.
Molecular consequence: frameshift variant.
Genome position (GRCh38, 1-based): chr6:65,495,306, T deleted on the plus strand (A on the coding strand, the reverse complement: EYS is on the minus strand); the first of 2 consecutive T bases (chr6:65,495,306-65,495,307); deleting either gives the same sequence. VCF-style (leftmost placement, unchanged base first): chr6-65495305-GT-G. GRCh37 (hg19) VCF-style: chr6-66205198-GT-G.
Other names: c.105del, p.Gln35fs (NM_001142801.2, NM_001292009.2, NM_198283.2); short protein forms Q35fs.
Identifiers: ClinVar variation 1422550 (VCV001422550.6), dbSNP rs1175908615, ClinGen allele CA568119279.

ClinVar aggregate classification (germline): Pathogenic (1 of 4 stars; one submission).

Submission:

Labcorp Genetics (formerly Invitae), Labcorp
Classification: Pathogenic. Last evaluated: 2021-03-22. Review status: criteria provided, single submitter. Criteria: Invitae Variant Classification Sherloc (09022015). Collection method: clinical testing. Allele origin: germline.
Comment: For these reasons, this variant has been classified as Pathogenic. This variant has not been reported in the literature in individuals with EYS-related conditions. This variant is not present in population databases (ExAC no frequency). This sequence change creates a premature translational stop signal (p.Gln35Hisfs*7) in the EYS gene. It is expected to result in an absent or disrupted protein product. Loss-of-function variants in EYS are known to be pathogenic (PMID: 18836446, 20333770).

Literature cited by the submitters: PubMed 18836446; PubMed 20333770.